The following is an entry in ClinVar:

NM_138703.5(MAGEE2):c.603C>T (p.Asp201=)

Gene: MAGEE2 (MAGE family member E2; minus strand). Cytogenetic location: Xq13.3.
Variant type: single nucleotide variant.
Coding change: c.603C>T on transcript NM_138703.5 (MANE Select); coding-DNA position 603, C replaced by T.
Protein change: p.Asp201=; no amino-acid change (aspartic acid 201 retained).
Molecular consequence: synonymous variant.
Genome position (GRCh38, 1-based): chrX:75,784,449, G>A on the plus strand (C>T on the coding strand, the complement: MAGEE2 is on the minus strand). VCF-style: chrX-75784449-G-A. GRCh37 (hg19) VCF-style: chrX-75004284-G-A.
Identifiers: ClinVar variation 2660949 (VCV002660949.24), dbSNP rs201501360, ClinGen allele CA10456569.
Genomic context (GRCh38, chrX:75,784,449, plus strand): 5'-GTTCCCAAAGAGGTTGTTGATCCTCTGAGGCTTATCCCACATATCAACTTTTAGCAGCAA[G>A]TCCCAAATGGAGGCCTCTCTTGCTCGGTTCCCATTCAAGAGGATGTGGCCTAGGACTAGG-3'
Protein context (NP_619648.1, residues 191-211): GNRAREASIW[Asp201=]LLLKVDMWDK

ClinVar aggregate classification (germline): Likely benign (1 of 4 stars; one submission).

Allele frequency attached by ClinVar (database versions not stated): gnomAD 0.00007; TOPMed 0.00007; ExAC 0.00011; 1000 Genomes Project 30x 0.00021; 1000 Genomes Project 0.00026.

Submission:

CeGaT Center for Human Genetics Tuebingen
Classification: Likely benign. Last evaluated: 2023-02-01. Review status: criteria provided, single submitter. Criteria: CeGaT Center For Human Genetics Tuebingen Variant Classification Criteria Version 2. Collection method: clinical testing. Allele origin: germline. Affected: yes. Observed: 2 variant alleles.
Comment: MAGEE2: BP4, BP7, BS2